The following is an entry in ClinVar:

ClinVar aggregate classification (germline): Uncertain significance (1 of 4 stars; one submission).

Conditions:
Familial hemophagocytic lymphohistiocytosis 2 (FHL2). Also called: PRF1-Related Familial Hemophagocytic Lymphohistiocytosis (PRF1-fHLH). Identifiers: Orphanet 540, MedGen C1863727, MONDO:0011337, OMIM 603553.

Submission:

Labcorp Genetics (formerly Invitae), Labcorp
Classification: Uncertain significance for Familial hemophagocytic lymphohistiocytosis 2. Last evaluated: 2022-07-12. Review status: criteria provided, single submitter. Criteria: Invitae Variant Classification Sherloc (09022015). Collection method: clinical testing. Allele origin: germline.
Comment: This sequence change replaces glycine, which is neutral and non-polar, with valine, which is neutral and non-polar, at codon 9 of the PRF1 protein (p.Gly9Val). This variant is not present in population databases (gnomAD no frequency). This variant has not been reported in the literature in individuals affected with PRF1-related conditions. ClinVar contains an entry for this variant (Variation ID: 836126). Algorithms developed to predict the effect of missense changes on protein structure and function are either unavailable or do not agree on the potential impact of this missense change (SIFT: "Tolerated"; PolyPhen-2: "Probably Damaging"; Align-GVGD: "Class C0"). In summary, the available evidence is currently insufficient to determine the role of this variant in disease. Therefore, it has been classified as a Variant of Uncertain Significance.

NM_001083116.3(PRF1):c.26G>T (p.Gly9Val)

Gene: PRF1 (perforin 1; minus strand). Cytogenetic location: 10q22.1.
Variant type: single nucleotide variant.
Coding change: c.26G>T on transcript NM_001083116.3 (MANE Select); coding-DNA position 26, G replaced by T.
Protein change: p.Gly9Val; replaces glycine 9 with valine.
Molecular consequence: missense variant.
Genome position (GRCh38, 1-based): chr10:70,600,877, C>A on the plus strand (G>T on the coding strand, the complement: PRF1 is on the minus strand). VCF-style: chr10-70600877-C-A. GRCh37 (hg19) VCF-style: chr10-72360633-C-A.
Other names: c.26G>T, p.Gly9Val (NM_005041.6); short protein forms G9V.
Identifiers: ClinVar variation 836126 (VCV000836126.7), dbSNP rs1848221752, ClinGen allele CA376960236.